The following is an entry in ClinVar:

ClinVar aggregate classification (germline): Likely pathogenic (1 of 4 stars; one submission).

Submission:

Labcorp Genetics (formerly Invitae), Labcorp
Classification: Likely pathogenic. Last evaluated: 2018-06-11. Review status: criteria provided, single submitter. Criteria: Invitae Variant Classification Sherloc (09022015). Collection method: clinical testing. Allele origin: germline.
Comment: Donor and acceptor splice site variants typically lead to a loss of protein function (PMID: 16199547), and loss-of-function variants in KMT2A are known to be pathogenic (PMID: 22795537, 25810209). This variant has not been reported in the literature in individuals with KMT2A-related disease. This variant is not present in population databases (ExAC no frequency). This sequence change affects an acceptor splice site in intron 6 of the KMT2A gene. It is expected to disrupt RNA splicing and likely results in an absent or disrupted protein product. In summary, the currently available evidence indicates that the variant is pathogenic, but additional data are needed to prove that conclusively. Therefore, this variant has been classified as Likely Pathogenic.

Literature cited by the submitters: PubMed 16199547; PubMed 22795537; PubMed 25810209.

NM_001197104.2(KMT2A):c.3635-2del

Gene: KMT2A (lysine methyltransferase 2A; plus strand). Cytogenetic location: 11q23.3.
Variant type: Deletion.
Coding change: c.3635-2del on transcript NM_001197104.2 (MANE Select); the canonical splice acceptor site of the intron before coding-DNA position 3635, one base deleted (A; older notation c.3635-2delA).
Molecular consequence: splice acceptor variant.
Genome position (GRCh38, 1-based): chr11:118,481,713, A deleted. VCF-style (leftmost placement, unchanged base first): chr11-118481712-CA-C. GRCh37 (hg19) VCF-style: chr11-118352427-CA-C.
Other names: c.3734-2del (NM_001412597.1); c.3635-2del (NM_005933.4).
Identifiers: ClinVar variation 1067303 (VCV001067303.7), dbSNP rs2134299169, ClinGen allele CA2499220786.